The following is an entry in ClinVar:

NM_018486.3(HDAC8):c.550+1G>C

Gene: HDAC8 (histone deacetylase 8; minus strand). Cytogenetic location: Xq13.1.
Variant type: single nucleotide variant.
Coding change: c.550+1G>C on transcript NM_018486.3 (MANE Select); the canonical splice donor site of the intron after coding-DNA position 550, G replaced by C.
Molecular consequence: splice donor variant. On other transcripts: intron variant (1).
Genome position (GRCh38, 1-based): chrX:72,495,155, C>G on the plus strand (G>C on the coding strand, the complement: HDAC8 is on the minus strand). VCF-style: chrX-72495155-C-G. GRCh37 (hg19) VCF-style: chrX-71715005-C-G.
Other names: c.277+1G>C (NM_001166418.2, NM_001410728.1, NM_001166448.2); c.438-30424G>C (NM_001441234.1); c.550+1G>C (NM_001410727.1, NM_001410725.1, NM_001410729.1 and 2 more transcripts).
Identifiers: ClinVar variation 4858312 (VCV004858312.1).

ClinVar aggregate classification (germline): Likely pathogenic (1 of 4 stars; one submission).

Conditions:
Inborn genetic diseases. Identifiers: MedGen C0950123, MeSH D030342.

Submission:

Ambry Genetics
Classification: Likely pathogenic for Inborn genetic diseases. Last evaluated: 2026-04-03. Review status: criteria provided, single submitter. Criteria: Ambry Variant Classification Scheme 2023. Collection method: clinical testing. Allele origin: germline.
Comment: The c.550+1G>C intronic variant consists of a G to C substitution one nucleotide after exon 5 (coding exon 5) of the HDAC8 gene. Variants that disrupt the canonical splice site are expected to cause aberrant splicing, resulting in an abnormal protein or a transcript that is subject to nonsense-mediated mRNA decay. This variant was not reported in population-based cohorts in the Genome Aggregation Database (gnomAD). This nucleotide position is highly conserved in available vertebrate species. In silico splice site analysis predicts that this alteration will weaken the native splice donor site and may result in the creation or strengthening of a novel splice donor site. Based on the available evidence, this alteration is classified as likely pathogenic.